The following is an entry in ClinVar:

ClinVar aggregate classification (germline): Uncertain significance. Review status: criteria provided, multiple submitters, no conflicts (2 of 4 stars). 2 submissions from 2 submitters: Uncertain significance (2). Last evaluated 2025-05-06.

Conditions:
Hereditary cancer-predisposing syndrome. Also called: Tumor predisposition; Hereditary Cancer Syndrome; Hereditary neoplastic syndrome; Neoplastic Syndromes, Hereditary. Identifiers: Orphanet 140162, MedGen C0027672, MeSH D009386, MONDO:0015356.
Retinoblastoma (RB1). Also called: RETINOBLASTOMA, SOMATIC. Identifiers: Orphanet 790, MedGen C0035335, MeSH D012175, MONDO:0008380, OMIM 180200, HP:0009919. Disease mechanism: loss of function. Inheritance: Both sporadic and heritable forms are tested..

Submissions (2):

Ambry Genetics
Classification: Uncertain significance for Hereditary cancer-predisposing syndrome. Last evaluated: 2025-05-06. Review status: criteria provided, single submitter. Criteria: Ambry Variant Classification Scheme 2023. Collection method: clinical testing. Allele origin: germline.
Comment: The p.E30Q variant (also known as c.88G>C), located in coding exon 1 of the RB1 gene, results from a G to C substitution at nucleotide position 88. The glutamic acid at codon 30 is replaced by glutamine, an amino acid with highly similar properties. This amino acid position is well conserved in available vertebrate species. In addition, the in silico prediction for this alteration is inconclusive. Based on the available evidence, the clinical significance of this variant remains unclear.

Labcorp Genetics (formerly Invitae), Labcorp
Classification: Uncertain significance for Retinoblastoma. Last evaluated: 2024-10-31. Review status: criteria provided, single submitter. Criteria: Invitae Variant Classification Sherloc (09022015). Collection method: clinical testing. Allele origin: germline.
Comment: This sequence change replaces glutamic acid, which is acidic and polar, with glutamine, which is neutral and polar, at codon 30 of the RB1 protein (p.Glu30Gln). This variant is not present in population databases (gnomAD no frequency). This variant has not been reported in the literature in individuals affected with RB1-related conditions. ClinVar contains an entry for this variant (Variation ID: 486285). An algorithm developed to predict the effect of missense changes on protein structure and function outputs the following: PolyPhen-2: "Not Available". The glutamine amino acid residue is found in multiple mammalian species, which suggests that this missense change does not adversely affect protein function. In summary, the available evidence is currently insufficient to determine the role of this variant in disease. Therefore, it has been classified as a Variant of Uncertain Significance.

NM_000321.3(RB1):c.88G>C (p.Glu30Gln)

Gene: RB1 (RB transcriptional corepressor 1; plus strand). Cytogenetic location: 13q14.2.
Variant type: single nucleotide variant.
Coding change: c.88G>C on transcript NM_000321.3 (MANE Select); coding-DNA position 88, G replaced by C.
Protein change: p.Glu30Gln; replaces glutamic acid 30 with glutamine.
Molecular consequence: missense variant.
Genome position (GRCh38, 1-based): chr13:48,304,000, G>C. VCF-style: chr13-48304000-G-C. GRCh37 (hg19) VCF-style: chr13-48878136-G-C.
Other names: short protein forms E30Q.
Identifiers: ClinVar variation 486285 (VCV000486285.16), dbSNP rs1555279228, ClinGen allele CA388250295.